The following is an entry in ClinVar:

ClinVar aggregate classification (germline): Uncertain significance (1 of 4 stars; one submission).

Conditions:
Familial adenomatous polyposis 1 (FAP1). Also called: FAMILIAL ADENOMATOUS POLYPOSIS 1, ATTENUATED; POLYPOSIS, ADENOMATOUS INTESTINAL. Identifiers: MedGen C2713442, MONDO:0021056, OMIM 175100. Disease mechanism: loss of function.

Allele frequency attached by ClinVar (database versions not stated): gnomAD exomes below 0.00001.
gnomAD v4.1: 1 of 1,613,284 alleles (0.000062%); highest among the groups gnomAD compares: Non-Finnish European, 0.000085%; no homozygotes.

Submission:

Labcorp Genetics (formerly Invitae), Labcorp
Classification: Uncertain significance for Familial adenomatous polyposis 1. Last evaluated: 2018-12-21. Review status: criteria provided, single submitter. Criteria: Invitae Variant Classification Sherloc (09022015). Collection method: clinical testing. Allele origin: germline.
Comment: In summary, the available evidence is currently insufficient to determine the role of this variant in disease. Therefore, it has been classified as a Variant of Uncertain Significance. Algorithms developed to predict the effect of missense changes on protein structure and function (SIFT, PolyPhen-2, Align-GVGD) all suggest that this variant is likely to be tolerated, but these predictions have not been confirmed by published functional studies and their clinical significance is uncertain. This variant has not been reported in the literature in individuals with APC-related conditions. This variant is not present in population databases (ExAC no frequency). This sequence change replaces valine with leucine at codon 530 of the APC protein (p.Val530Leu). The valine residue is highly conserved and there is a small physicochemical difference between valine and leucine.

NM_000038.6(APC):c.1588G>T (p.Val530Leu)

Gene: APC (APC regulator of Wnt signaling pathway; plus strand). Cytogenetic location: 5q22.2.
Variant type: single nucleotide variant.
Coding change: c.1588G>T on transcript NM_000038.6 (MANE Select); coding-DNA position 1588, G replaced by T.
Protein change: p.Val530Leu; replaces valine 530 with leucine.
Molecular consequence: missense variant.
Genome position (GRCh38, 1-based): chr5:112,827,968, G>T. VCF-style: chr5-112827968-G-T. GRCh37 (hg19) VCF-style: chr5-112163665-G-T.
Other names: c.1465G>T, p.Val489Leu (NM_001354900.2); c.1411G>T, p.Val471Leu (NM_001354901.2); c.1315G>T, p.Val439Leu (NM_001354902.2); c.1285G>T, p.Val429Leu (NM_001354903.2); c.1210G>T, p.Val404Leu (NM_001354904.2); c.1108G>T, p.Val370Leu (NM_001354905.2); c.739G>T, p.Val247Leu (NM_001354906.2); c.1588G>T, p.Val530Leu (NM_001127510.3, NM_001354895.2); and 5 more; short protein forms V247L, V471L, V502L, V439L, V505L, V512L, V540L, V548L.
Identifiers: ClinVar variation 655113 (VCV000655113.10), dbSNP rs786204178, ClinGen allele CA16024776.